The following is an entry in ClinVar:

NM_000081.4(LYST):c.6695G>A (p.Gly2232Glu)

Gene: LYST (lysosomal trafficking regulator; minus strand). Cytogenetic location: 1q42.3.
Variant type: single nucleotide variant.
Coding change: c.6695G>A on transcript NM_000081.4 (MANE Select); coding-DNA position 6695, G replaced by A.
Protein change: p.Gly2232Glu; replaces glycine 2232 with glutamic acid.
Molecular consequence: missense variant.
Genome position (GRCh38, 1-based): chr1:235,759,158, C>T on the plus strand (G>A on the coding strand, the complement: LYST is on the minus strand). VCF-style: chr1-235759158-C-T. GRCh37 (hg19) VCF-style: chr1-235922458-C-T.
Other names: c.6695G>A, p.Gly2232Glu (NM_001301365.1); short protein forms G2232E.
Identifiers: ClinVar variation 1384738 (VCV001384738.5), dbSNP rs990791341, ClinGen allele CA39616156.

ClinVar aggregate classification (germline): Uncertain significance (1 of 4 stars; one submission).

Conditions:
Chédiak-Higashi syndrome (CHS). Also called: Chediak-Higashi Syndrome. Identifiers: Orphanet 167, MedGen C0007965, MONDO:0008963, OMIM 214500.

Allele frequency attached by ClinVar (database versions not stated): gnomAD exomes below 0.00001; TOPMed 0.00001.
gnomAD v4.1: 2 of 1,614,168 alleles (0.00012%); highest among the groups gnomAD compares: East Asian, 0.0022%; no homozygotes.

Submission:

Labcorp Genetics (formerly Invitae), Labcorp
Classification: Uncertain significance for Chédiak-Higashi syndrome. Last evaluated: 2024-10-16. Review status: criteria provided, single submitter. Criteria: Invitae Variant Classification Sherloc (09022015). Collection method: clinical testing. Allele origin: germline.
Comment: This sequence change replaces glycine, which is neutral and non-polar, with glutamic acid, which is acidic and polar, at codon 2232 of the LYST protein (p.Gly2232Glu). This variant is present in population databases (no rsID available, gnomAD 0.006%). This variant has not been reported in the literature in individuals affected with LYST-related conditions. ClinVar contains an entry for this variant (Variation ID: 1384738). Invitae Evidence Modeling of protein sequence and biophysical properties (such as structural, functional, and spatial information, amino acid conservation, physicochemical variation, residue mobility, and thermodynamic stability) has been performed for this missense variant. However, the output from this modeling did not meet the statistical confidence thresholds required to predict the impact of this variant on LYST protein function. In summary, the available evidence is currently insufficient to determine the role of this variant in disease. Therefore, it has been classified as a Variant of Uncertain Significance.